The following is an entry in ClinVar:

NM_198576.4(AGRN):c.5839G>A (p.Val1947Ile)

Gene: AGRN (agrin; plus strand). Cytogenetic location: 1p36.33.
Variant type: single nucleotide variant.
Coding change: c.5839G>A on transcript NM_198576.4 (MANE Select); coding-DNA position 5839, G replaced by A.
Protein change: p.Val1947Ile; replaces valine 1947 with isoleucine.
Molecular consequence: missense variant.
Genome position (GRCh38, 1-based): chr1:1,053,940, G>A. VCF-style: chr1-1053940-G-A. GRCh37 (hg19) VCF-style: chr1-989320-G-A.
Other names: c.5908G>A, p.Val1970Ile (NM_001305275.2); c.5536G>A, p.Val1846Ile (NM_001364727.2); short protein forms V1947I, V1970I, V1846I.
Identifiers: ClinVar variation 1029353 (VCV001029353.6), dbSNP rs745398279, ClinGen allele CA16705951.
Genomic context (GRCh38, chr1:1,053,940, plus strand): 5'-CACCTGCAACTGAGCTACAACCTGGGCTCCCAGCCCGTGGTGCTGCGTTCCACCGTGCCC[G>A]TCAACACCAACCGCTGGTTGCGGGTCGTGGCACATAGGTGAGTAGGGAACCCAGCGTGCC-3'
Protein context (NP_940978.2, residues 1937-1957): QPVVLRSTVP[Val1947Ile]NTNRWLRVVA

ClinVar aggregate classification (germline): Uncertain significance. Review status: criteria provided, multiple submitters, no conflicts (2 of 4 stars). 3 submissions from 3 submitters: Uncertain significance (3). Last evaluated 2024-12-23.

Conditions:
Inborn genetic diseases. Identifiers: MedGen C0950123, MeSH D030342.
Congenital myasthenic syndrome 8. Also called: Myasthenic syndrome, congenital, 8, with pre- and postsynaptic defects; MYASTHENIC SYNDROME, CONGENITAL, DUE TO AGRIN DEFICIENCY. Identifiers: Orphanet 590, MedGen C3808739, MONDO:0014052, OMIM 615120.

Allele frequency attached by ClinVar (database versions not stated): gnomAD 0.00003; gnomAD exomes 0.00003 and 0.00004; TOPMed 0.00004.
gnomAD v4.1: 56 of 1,603,934 alleles (0.0035%); highest among the groups gnomAD compares: Middle Eastern, 0.019%; no homozygotes.

Submissions (3):

Labcorp Genetics (formerly Invitae), Labcorp
Classification: Uncertain significance for Congenital myasthenic syndrome 8. Last evaluated: 2024-12-23. Review status: criteria provided, single submitter. Criteria: Invitae Variant Classification Sherloc (09022015). Collection method: clinical testing. Allele origin: germline.
Comment: This sequence change replaces valine, which is neutral and non-polar, with isoleucine, which is neutral and non-polar, at codon 1947 of the AGRN protein (p.Val1947Ile). The frequency data for this variant in the population databases is considered unreliable, as metrics indicate poor data quality at this position in the gnomAD database. This variant has not been reported in the literature in individuals affected with AGRN-related conditions. ClinVar contains an entry for this variant (Variation ID: 1029353). An algorithm developed to predict the effect of missense changes on protein structure and function (PolyPhen-2) suggests that this variant is likely to be disruptive. In summary, the available evidence is currently insufficient to determine the role of this variant in disease. Therefore, it has been classified as a Variant of Uncertain Significance.

Ambry Genetics
Classification: Uncertain significance for Inborn genetic diseases. Last evaluated: 2024-12-16. Review status: criteria provided, single submitter. Criteria: Ambry Variant Classification Scheme 2023. Collection method: clinical testing. Allele origin: germline.

Baylor Genetics
Classification: Uncertain significance for Congenital myasthenic syndrome 8. Last evaluated: 2019-08-08. Review status: criteria provided, single submitter. Criteria: ACMG Guidelines, 2015. Collection method: clinical testing. Allele origin: unknown. Affected: yes.
Comment: This variant was determined to be of uncertain significance according to ACMG Guidelines, 2015 [PMID:25741868].